The following is an entry in ClinVar:

NM_139027.6(ADAMTS13):c.2883del (p.Cys962fs)

Gene: ADAMTS13 (ADAM metallopeptidase with thrombospondin type 1 motif 13; plus strand). Cytogenetic location: 9q34.2.
Variant type: Deletion.
Coding change: c.2883del on transcript NM_139027.6 (MANE Select); coding-DNA position 2883, one base deleted (C; older notation c.2883delC).
Protein change: p.Cys962fs; shifts the reading frame from cysteine 962.
Molecular consequence: frameshift variant. On other transcripts: non-coding transcript variant (1).
Genome position (GRCh38, 1-based): chr9:133,449,804, C deleted; the last of 2 consecutive C bases (chr9:133,449,803-133,449,804); deleting either gives the same sequence. VCF-style (leftmost placement, unchanged base first): chr9-133449802-GC-G. GRCh37 (hg19) VCF-style: chr9-136314923-GC-G.
Other names: c.2883del, p.Cys962fs (NM_139025.5); c.2790del, p.Cys931fs (NM_139026.6); short protein forms C931fs, C962fs.
Identifiers: ClinVar variation 4291762 (VCV004291762.2).

ClinVar aggregate classification (germline): Pathogenic (1 of 4 stars; one submission).

Conditions:
Upshaw-Schulman syndrome (TTP). Also called: THROMBOTIC THROMBOCYTOPENIC PURPURA, HEREDITARY; Congenital thrombotic thrombocytopenic purpura. Identifiers: Orphanet 93583, MedGen C1268935, MONDO:0010122, OMIM 274150.

Submission:

3billion
Classification: Pathogenic for Upshaw-Schulman syndrome. Last evaluated: 2025-11-06. Review status: criteria provided, single submitter. Criteria: ACMG Guidelines, 2015. Collection method: clinical testing. Allele origin: germline. Affected: yes.
Comment: The variant is not observed in the gnomAD v4.1.0 dataset. Predicted Consequence/Location: Frameshift: predicted to result in a loss or disruption of normal protein function through nonsense-mediated decay (NMD) or protein truncation. Multiple pathogenic variants are reported downstream of the variant. The variant has been reported to be associated with ADAMTS13-related disorder (ClinVar ID: VCV004291762 /PMID: 34306773 /3billion dataset). Therefore, this variant is classified as Pathogenic according to the recommendation of ACMG/AMP guideline.

Literature cited by the submitters: PubMed 34306773.